The following is an entry in ClinVar:

NM_000548.5(TSC2):c.4147_4148insTGCCCTCTGTGGACCTCTCCTTCCAGCCCTCGCAGCCCCTGA (p.Leu1382_Ser1383insMetProSerValAspLeuSerPheGlnProSerGlnProLeu)

Gene: TSC2 (TSC complex subunit 2; plus strand). Cytogenetic location: 16p13.3.
Variant type: Insertion.
Coding change: c.4147_4148insTGCCCTCTGTGGACCTCTCCTTCCAGCCCTCGCAGCCCCTGA on transcript NM_000548.5 (MANE Select); coding-DNA positions 4147 to 4148, TGCCCTCTGTGGACCTCTCCTTCCAGCCCTCGCAGCCCCTGA inserted.
Protein change: p.Leu1382_Ser1383insMetProSerValAspLeuSerPheGlnProSerGlnProLeu.
Molecular consequence: non-coding transcript variant (on NR_176227.1).
Genome position: GRCh38: chr16:2,084,369-2,084,370. GRCh37 (hg19): chr16:2,134,370-2,134,371.
Other names: c.2602_2603insTGCCCTCTGTGGACCTCTCCTTCCAGCCCTCGCAGCCCCTGA, p.Leu867_Ser868insMetProSerValAspLeuSerPheGlnProSerGlnProLeu (NM_001406696.1, NM_001406697.1, NM_001406695.1); c.2344_2345insTGCCCTCTGTGGACCTCTCCTTCCAGCCCTCGCAGCCCCTGA, p.Leu781_Ser782insMetProSerValAspLeuSerPheGlnProSerGlnProLeu (NM_001406698.1); c.4018_4019insTGCCCTCTGTGGACCTCTCCTTCCAGCCCTCGCAGCCCCTGA, p.Leu1339_Ser1340insMetProSerValAspLeuSerPheGlnProSerGlnProLeu (NM_021055.3, NM_001370405.1); c.2605_2606insTGCCCTCTGTGGACCTCTCCTTCCAGCCCTCGCAGCCCCTGA, p.Leu868_Ser869insMetProSerValAspLeuSerPheGlnProSerGlnProLeu (NM_001406694.1, NM_001406692.1, NM_001406693.1); c.3946_3947insTGCCCTCTGTGGACCTCTCCTTCCAGCCCTCGCAGCCCCTGA, p.Leu1315_Ser1316insMetProSerValAspLeuSerPheGlnProSerGlnProLeu (NM_001077183.3); c.4078_4079insTGCCCTCTGTGGACCTCTCCTTCCAGCCCTCGCAGCCCCTGA, p.Leu1359_Ser1360insMetProSerValAspLeuSerPheGlnProSerGlnProLeu (NM_001114382.3); c.3838_3839insTGCCCTCTGTGGACCTCTCCTTCCAGCCCTCGCAGCCCCTGA, p.Leu1279_Ser1280insMetProSerValAspLeuSerPheGlnProSerGlnProLeu (NM_001318827.2); c.3802_3803insTGCCCTCTGTGGACCTCTCCTTCCAGCCCTCGCAGCCCCTGA, p.Leu1267_Ser1268insMetProSerValAspLeuSerPheGlnProSerGlnProLeu (NM_001318829.2); and 26 more.
Identifiers: ClinVar variation 4192146 (VCV004192146.1).

ClinVar aggregate classification (germline): Uncertain significance (1 of 4 stars; one submission).

Conditions:
Hereditary cancer-predisposing syndrome. Also called: Neoplastic Syndromes, Hereditary; Tumor predisposition; Hereditary Cancer Syndrome; Hereditary neoplastic syndrome. Identifiers: Orphanet 140162, MedGen C0027672, MeSH D009386, MONDO:0015356.

Submission:

Ambry Genetics
Classification: Uncertain significance for Hereditary cancer-predisposing syndrome. Last evaluated: 2025-07-01. Review status: criteria provided, single submitter. Criteria: Ambry Variant Classification Scheme 2023. Collection method: clinical testing. Allele origin: germline.
Comment: The c.4147_4148ins42 variant (also known as p.L1382_S1383ins14), located in coding exon 33 of the TSC2 gene, results from an in-frame 42 nucleotide insertion at nucleotide positions 4147 to 4148. This results in the insertion of 14 amino acids (MPSVDLSFQPSQPL) between codons 1382 and 1383. Based on the available evidence, the clinical significance of this variant remains unclear.